The following is an entry in ClinVar:

NC_000001.11:g.100196336_100215732del

Gene: DBT (dihydrolipoamide branched chain transacylase E2; minus strand).
Variant type: Deletion.
Identifiers: ClinVar variation 958003 (VCV000958003.1).

ClinVar aggregate classification (germline): Likely pathogenic (1 of 4 stars; one submission).

Conditions:
Maple syrup urine disease (MSUD). Identifiers: Orphanet 511, MedGen C0024776, MeSH D008375, MONDO:0009563. Disease mechanism: loss of function.

Submission:

Labcorp Genetics (formerly Invitae), Labcorp
Classification: Likely pathogenic for Maple syrup urine disease. Last evaluated: 2019-09-16. Review status: criteria provided, single submitter. Criteria: Invitae Variant Classification Sherloc (09022015). Collection method: clinical testing. Allele origin: germline.
Comment: This variant results in the deletion of exons 7-10 and part of exon 11 (c.772+251_1368del) of the DBT gene. While this is not anticipated to result in nonsense mediated decay, it likely alters RNA splicing and results in a disrupted protein product. This variant has not been reported in the literature in individuals with DBT-related conditions. This variant disrupts the p.Arg301 amino acid residue in DBT. Other variant(s) that disrupt this residue have been determined to be pathogenic (PMID: 20570198, 21098507,27518768). This suggests that this residue is clinically significant, and that variants that disrupt this residue are likely to be disease-causing. In summary, the currently available evidence indicates that the variant is pathogenic, but additional data are needed to prove that conclusively. Therefore, this variant has been classified as Likely Pathogenic.

Literature cited by the submitters: PubMed 20570198; PubMed 27518768; PubMed 21098507.